The following is an entry in ClinVar:

NM_020207.7(ERCC6L2):c.1671T>G (p.Ser557Arg)

Gene: ERCC6L2 (ERCC excision repair 6 like 2; plus strand). Cytogenetic location: 9q22.32.
Variant type: single nucleotide variant.
Coding change: c.1671T>G on transcript NM_020207.7 (MANE Select); coding-DNA position 1671, T replaced by G.
Protein change: p.Ser557Arg; replaces serine 557 with arginine.
Molecular consequence: missense variant. On other transcripts: non-coding transcript variant (1).
Genome position (GRCh38, 1-based): chr9:95,928,784, T>G. VCF-style: chr9-95928784-T-G. GRCh37 (hg19) VCF-style: chr9-98691066-T-G.
Other names: c.1671T>G, p.Ser557Arg (NM_001010895.4, NM_001375291.1, NM_001375292.1 and 2 more transcripts); short protein forms S557R.
Identifiers: ClinVar variation 4019412 (VCV004019412.1).

ClinVar aggregate classification (germline): Uncertain significance (1 of 4 stars; one submission).

Conditions:
Inborn genetic diseases. Identifiers: MedGen C0950123, MeSH D030342.

gnomAD v4.1: 1 of 1,613,314 alleles (0.000062%); highest among the groups gnomAD compares: Non-Finnish European, 0.000085%; no homozygotes.

Submission:

Ambry Genetics
Classification: Uncertain significance for Inborn genetic diseases. Last evaluated: 2025-06-13. Review status: criteria provided, single submitter. Criteria: Ambry Variant Classification Scheme 2023. Collection method: clinical testing. Allele origin: germline.
Comment: The p.S557R variant (also known as c.1671T>G), located in coding exon 11 of the ERCC6L2 gene, results from a T to G substitution at nucleotide position 1671. The serine at codon 557 is replaced by arginine, an amino acid with dissimilar properties. This amino acid position is conserved. In addition, this alteration is predicted to be tolerated by in silico analysis. Based on the available evidence, the clinical significance of this variant remains unclear.